The following is an entry in ClinVar:

ClinVar aggregate classification (germline): Benign (1 of 4 stars; one submission).

Conditions:
Familial cancer of breast. Also called: BREAST CANCER, FAMILIAL; Hereditary breast cancer; hereditary breast carcinoma. Identifiers: Orphanet 227535, MedGen C0346153, MONDO:0016419, OMIM 114480. Disease mechanism: loss of function.

Submission:

Myriad Genetics, Inc.
Classification: Benign for Familial cancer of breast. Last evaluated: 2024-04-23. Review status: criteria provided, single submitter. Criteria: Myriad Autosomal Dominant, Autosomal Recessive and X-Linked Classification Criteria (2023). Collection method: clinical testing. Allele origin: unknown.
Comment: This variant is considered benign. This variant is a silent/synonymous amino acid change and it is not expected to impact splicing.

NM_000051.4(ATM):c.876G>C (p.Pro292=)

Gene: ATM (ATM serine/threonine kinase; plus strand). Cytogenetic location: 11q22.3.
Variant type: single nucleotide variant.
Coding change: c.876G>C on transcript NM_000051.4 (MANE Select); coding-DNA position 876, G replaced by C.
Protein change: p.Pro292=; no amino-acid change (proline 292 retained).
Molecular consequence: synonymous variant.
Genome position (GRCh38, 1-based): chr11:108,245,001, G>C. VCF-style: chr11-108245001-G-C. GRCh37 (hg19) VCF-style: chr11-108115728-G-C.
Other names: c.876G>C, p.Pro292= (NM_001351834.2).
Identifiers: ClinVar variation 3254007 (VCV003254007.1), dbSNP rs755860432.
Genomic context (GRCh38, chr11:108,245,001, plus strand): 5'-TGATTCTTTAAAAGAAGTCATTATTGAATTATTTCAACTGCAAATTTATATCCATCATCC[G>C]AAAGGAGCCAAAACCCAAGAAAAAGGTATAAAGGAAATGTTTACTGTTTTGAATTTGCTT-3'
Protein context (NP_000042.3, residues 282-302): LFQLQIYIHH[Pro292=]KGAKTQEKGA